The following is an entry in ClinVar:

ClinVar aggregate classification (germline): Uncertain significance. Review status: criteria provided, multiple submitters, no conflicts (2 of 4 stars). 2 submissions from 2 submitters: Uncertain significance (2). Last evaluated 2024-10-29.

Allele frequency attached by ClinVar (database versions not stated): gnomAD 0.00005 and 0.00006; gnomAD exomes 0.00005 and 0.00010; TOPMed 0.00005; ExAC 0.00006.
gnomAD v4.1: 155 of 1,613,082 alleles (0.0096%); highest among the groups gnomAD compares: Middle Eastern, 0.033%; 1 homozygote.

Submissions (2):

Blueprint Genetics
Classification: Uncertain significance. Last evaluated: 2024-10-29. Review status: criteria provided, single submitter. Criteria: ACMG Guidelines, 2015. Collection method: clinical testing. Allele origin: germline.

Labcorp Genetics (formerly Invitae), Labcorp
Classification: Uncertain significance. Last evaluated: 2023-07-10. Review status: criteria provided, single submitter. Criteria: Invitae Variant Classification Sherloc (09022015). Collection method: clinical testing. Allele origin: germline.
Comment: ClinVar contains an entry for this variant (Variation ID: 1025056). This sequence change replaces serine, which is neutral and polar, with alanine, which is neutral and non-polar, at codon 743 of the AGBL5 protein (p.Ser743Ala). This variant is present in population databases (rs779635578, gnomAD 0.009%), including at least one homozygous and/or hemizygous individual. This variant has not been reported in the literature in individuals affected with AGBL5-related conditions. Algorithms developed to predict the effect of missense changes on protein structure and function output the following: SIFT: "Not Available"; PolyPhen-2: "Benign"; Align-GVGD: "Not Available". The alanine amino acid residue is found in multiple mammalian species, which suggests that this missense change does not adversely affect protein function. In summary, the available evidence is currently insufficient to determine the role of this variant in disease. Therefore, it has been classified as a Variant of Uncertain Significance.

NM_021831.6(AGBL5):c.2227T>G (p.Ser743Ala)

Gene: AGBL5 (AGBL carboxypeptidase 5; plus strand). Cytogenetic location: 2p23.3.
Variant type: single nucleotide variant.
Coding change: c.2227T>G on transcript NM_021831.6 (MANE Select); coding-DNA position 2227, T replaced by G.
Protein change: p.Ser743Ala; replaces serine 743 with alanine.
Molecular consequence: missense variant. On other transcripts: non-coding transcript variant (2).
Genome position (GRCh38, 1-based): chr2:27,067,631, T>G. VCF-style: chr2-27067631-T-G. GRCh37 (hg19) VCF-style: chr2-27290499-T-G.
Other names: short protein forms S743A.
Identifiers: ClinVar variation 1025056 (VCV001025056.7), dbSNP rs779635578, ClinGen allele CA1568120.